The following is an entry in ClinVar:

ClinVar aggregate classification (germline): Benign/Likely benign. Review status: criteria provided, multiple submitters, no conflicts (2 of 4 stars). 2 submissions from 2 submitters: Benign (1); Likely benign (1). Last evaluated 2025-02-03.

Conditions:
Hereditary cancer-predisposing syndrome. Also called: Neoplastic Syndromes, Hereditary; Tumor predisposition; Hereditary Cancer Syndrome; Hereditary neoplastic syndrome. Identifiers: Orphanet 140162, MedGen C0027672, MeSH D009386, MONDO:0015356.
Lynch syndrome 4 (LYNCH4). Also called: Colorectal cancer, hereditary nonpolyposis, type 4; Hereditary non-polyposis colorectal cancer, type 4. Identifiers: Orphanet 144, MedGen C1838333, MONDO:0013699, OMIM 614337. Disease mechanism: loss of function.

Submissions (2):

Myriad Genetics, Inc.
Classification: Benign for Lynch syndrome 4. Last evaluated: 2025-02-03. Review status: criteria provided, single submitter. Criteria: Myriad Autosomal Dominant, Autosomal Recessive and X-Linked Classification Criteria (2023). Collection method: clinical testing. Allele origin: unknown.
Comment: This variant is considered benign. This variant is a silent/synonymous amino acid change and it is not expected to impact splicing.

Color Diagnostics, LLC DBA Color Health
Classification: Likely benign for Hereditary cancer-predisposing syndrome. Last evaluated: 2025-01-13. Review status: criteria provided, single submitter. Criteria: ACMG Guidelines, 2015. Collection method: clinical testing. Allele origin: germline.

NM_000535.7(PMS2):c.2071C>T (p.Leu691=)

Gene: PMS2 (PMS1 homolog 2, mismatch repair system component; minus strand). Cytogenetic location: 7p22.1.
Variant type: single nucleotide variant.
Coding change: c.2071C>T on transcript NM_000535.7 (MANE Select); coding-DNA position 2071, C replaced by T.
Protein change: p.Leu691=; no amino-acid change (leucine 691 retained).
Molecular consequence: synonymous variant. On other transcripts: non-coding transcript variant (1), intron variant (4).
Genome position (GRCh38, 1-based): chr7:5,982,927, G>A on the plus strand (C>T on the coding strand, the complement: PMS2 is on the minus strand). VCF-style: chr7-5982927-G-A. GRCh37 (hg19) VCF-style: chr7-6022558-G-A.
Other names: c.1666C>T, p.Leu556= (NM_001322003.2, NM_001322004.2, NM_001322005.2 and 14 more transcripts); c.1915C>T, p.Leu639= (NM_001322006.2, NM_001406870.1); c.1753C>T, p.Leu585= (NM_001322007.2, NM_001322008.2, NM_001406876.1 and 1 more transcripts); c.1510C>T, p.Leu504= (NM_001322010.2, NM_001406906.1, NM_001406907.1); c.1138C>T, p.Leu380= (NM_001322011.2, NM_001322012.2); c.1498C>T, p.Leu500= (NM_001322013.2, NM_001406909.1); c.2071C>T, p.Leu691= (NM_001322014.2, NM_001406871.1); c.1762C>T, p.Leu588= (NM_001322015.2, NM_001406875.1, NM_001406877.1 and 5 more transcripts); and 16 more.
Identifiers: ClinVar variation 3894187 (VCV003894187.2).